The following is an entry in ClinVar:

Conditions:
Breast-ovarian cancer, familial, susceptibility to, 1 (BROVCA1). Also called: BRCA1 Hereditary Breast and Ovarian Cancer; OVARIAN CANCER, SUSCEPTIBILITY TO. Identifiers: Orphanet 145, MedGen C2676676, MONDO:0011450, OMIM 604370. Disease mechanism: loss of function.

Submission:

Brotman Baty Institute, University of Washington
No classification provided (evidence only). Condition: Breast-ovarian cancer, familial 1. Review status: no classification provided. Collection method: in vitro. Allele origin: not applicable. Functional consequence: functionally_normal.
ClinVar note: "not provided" was previously submitted as the classification for the variant. However, the classification appeared to be based only on an observation of functional data so it was converted to no classification on 2025-07-30.

NM_007294.4(BRCA1):c.212+9T>A

Gene: BRCA1 (BRCA1 DNA repair associated; minus strand). Cytogenetic location: 17q21.31.
Variant type: single nucleotide variant.
Coding change: c.212+9T>A on transcript NM_007294.4 (MANE Select); 9 bases into the intron after coding-DNA position 212, T replaced by A.
Molecular consequence: intron variant.
Genome position (GRCh38, 1-based): chr17:43,106,447, A>T on the plus strand (T>A on the coding strand, the complement: BRCA1 is on the minus strand). VCF-style: chr17-43106447-A-T. GRCh37 (hg19) VCF-style: chr17-41258464-A-T.
Other names: c.212+9T>A (NM_001408444.1, NM_001408438.1, NM_001408430.1 and 167 more transcripts); c.2+31T>A (NM_001408492.1, NM_001407889.1, NM_001408513.1 and 58 more transcripts); c.71+9T>A (NM_001408468.1, NM_001407842.1, NM_001407749.1 and 99 more transcripts); c.-218-11587T>A (NM_001407966.1, NM_001407967.1); c.-169-1491T>A (NM_001407963.1, NM_001407960.1, NM_001407965.1 and 4 more transcripts); c.135-1491T>A (NM_001408413.1, NM_001407660.1, NM_001407661.1 and 21 more transcripts); c.81-1491T>A (NM_001408451.1).
Identifiers: ClinVar variation 867348 (VCV000867348.3), dbSNP rs2054766684, ClinGen allele CA916080867.
Genomic context (GRCh38, chr17:43,106,447, plus strand): 5'-TTATTAAATAATTTCTACTTTTTCCTACTGTGGTTGCTTCCAACCTAGCATCATTACCAA[A>T]TTATATACCTTTTGGTTATATCATTCTTACATAAAGGACACTGTGAAGGCCCTTTCTTCT-3'